The following is an entry in ClinVar:

ClinVar aggregate classification (germline): Pathogenic (1 of 4 stars; one submission).

Conditions:
Charcot-Marie-Tooth Neuropathy X. Identifiers: MedGen CN118851.

Submission:

Labcorp Genetics (formerly Invitae), Labcorp
Classification: Pathogenic for Charcot-Marie-Tooth Neuropathy X. Last evaluated: 2025-02-12. Review status: criteria provided, single submitter. Criteria: Invitae Variant Classification Sherloc (09022015). Collection method: clinical testing. Allele origin: germline.
Comment: This sequence change creates a premature translational stop signal (p.Cys64*) in the GJB1 gene. While this is not anticipated to result in nonsense mediated decay, it is expected to disrupt the last 220 amino acid(s) of the GJB1 protein. This variant is not present in population databases (gnomAD no frequency). This variant has not been reported in the literature in individuals affected with GJB1-related conditions. ClinVar contains an entry for this variant (Variation ID: 2027099). This variant disrupts a region of the GJB1 protein in which other variant(s) (p.Asn205Ser) have been determined to be pathogenic (PMID: 9401007, 9452099, 10071100, 12497641, 19259128, 24327141, 27544631, 28469099). This suggests that this is a clinically significant region of the protein, and that variants that disrupt it are likely to be disease-causing. For these reasons, this variant has been classified as Pathogenic.

Literature cited by the submitters: PubMed 9401007; PubMed 9452099; PubMed 10071100; PubMed 12497641; PubMed 19259128; PubMed 24327141; PubMed 27544631; PubMed 28469099.

NM_000166.6(GJB1):c.192C>A (p.Cys64Ter)

Gene: GJB1 (gap junction protein beta 1; plus strand). Cytogenetic location: Xq13.1.
Variant type: single nucleotide variant.
Coding change: c.192C>A on transcript NM_000166.6 (MANE Select); coding-DNA position 192, C replaced by A.
Protein change: p.Cys64Ter; replaces cysteine 64 with a stop codon.
Molecular consequence: nonsense.
Genome position (GRCh38, 1-based): chrX:71,223,899, C>A. VCF-style: chrX-71223899-C-A. GRCh37 (hg19) VCF-style: chrX-70443749-C-A.
Other names: c.192C>A, p.Cys64Ter (NM_001097642.3); short protein forms C64*.
Identifiers: ClinVar variation 2027099 (VCV002027099.4), dbSNP rs2147945443, ClinGen allele CA413501363.
Genomic context (GRCh38, chrX:71,223,899, plus strand): 5'-GGGTGATGAGAAATCTTCCTTCATCTGCAACACACTCCAGCCTGGCTGCAACAGCGTTTG[C>A]TATGACCAATTCTTCCCCATCTCCCATGTGCGGCTGTGGTCCCTGCAGCTCATCCTAGTT-3'